The following is an entry in ClinVar:

NM_024753.5(TTC21B):c.1870A>T (p.Ile624Leu)

Gene: TTC21B (tetratricopeptide repeat domain 21B; minus strand). Cytogenetic location: 2q24.3.
Variant type: single nucleotide variant.
Coding change: c.1870A>T on transcript NM_024753.5 (MANE Select); coding-DNA position 1870, A replaced by T.
Protein change: p.Ile624Leu; replaces isoleucine 624 with leucine.
Molecular consequence: missense variant.
Genome position (GRCh38, 1-based): chr2:165,917,286, T>A on the plus strand (A>T on the coding strand, the complement: TTC21B is on the minus strand). VCF-style: chr2-165917286-T-A. GRCh37 (hg19) VCF-style: chr2-166773796-T-A.
Other names: short protein forms I624L.
Identifiers: ClinVar variation 4995829 (VCV004995829.1).

ClinVar aggregate classification (germline): Uncertain significance (1 of 4 stars; one submission).

Conditions:
TTC21B-related disorder. Also called: TTC21B-related condition; TTC21B-related disorders.

Submission:

PreventionGenetics, part of Exact Sciences
Classification: Uncertain significance for TTC21B-related condition. Last evaluated: 2026-07-19. Review status: criteria provided, single submitter. Criteria: ACMG Guidelines, 2015. Collection method: clinical testing. Allele origin: germline.
Comment: The TTC21B c.1870A>T variant is predicted to result in the amino acid substitution p.Ile624Leu. To our knowledge, this variant has not been reported in the literature or in a large population database (gnomAD), indicating this variant is rare. At this time, the clinical significance of this variant is uncertain due to the absence of conclusive functional and genetic evidence.